The following is an entry in ClinVar:

ClinVar aggregate classification (germline): Pathogenic/Likely pathogenic. Review status: criteria provided, multiple submitters, no conflicts (2 of 4 stars). 2 submissions from 2 submitters: Pathogenic (1); Likely pathogenic (1). Last evaluated 2025-08-22.

Conditions:
Nephronophthisis 9 (NPHP9). Identifiers: Orphanet 655, MedGen C3151188, MONDO:0013444, OMIM 613824.

Allele frequency attached by ClinVar (database versions not stated): gnomAD exomes 0.00001; ExAC 0.00001.
gnomAD v4.1: 4 of 1,614,166 alleles (0.00025%); highest among the groups gnomAD compares: Admixed American, 0.0067%; no homozygotes.

Submissions (2):

3billion
Classification: Pathogenic for Nephronophthisis 9. Last evaluated: 2025-08-22. Review status: criteria provided, single submitter. Criteria: ACMG Guidelines, 2015. Collection method: clinical testing. Allele origin: germline. Affected: yes.
Comment: The variant is observed at an extremely low frequency in the gnomAD v4.1.0 dataset (total allele frequency: <0.001%). Predicted Consequence/Location: Canonical splice site: predicted to alter splicing and result in a loss or disruption of normal protein function. Multiple pathogenic loss-of-function variants are reported downstream of the variant. In silico tools predict the variant to alter splicing and produce an abnormal transcript [SpliceAI: 0.97 (spliceogenicity >=0.2, non-spliceogenicity <0.1)]. The variant has been reported to be associated with NEK8-related disorder (ClinVar ID: VCV000839540). Therefore, this variant is classified as Pathogenic according to the recommendation of ACMG/AMP guideline.

Labcorp Genetics (formerly Invitae), Labcorp
Classification: Likely pathogenic for Nephronophthisis 9. Last evaluated: 2024-08-31. Review status: criteria provided, single submitter. Criteria: Invitae Variant Classification Sherloc (09022015). Collection method: clinical testing. Allele origin: germline.
Comment: This sequence change affects an acceptor splice site in intron 5 of the NEK8 gene. It is expected to disrupt RNA splicing. Variants that disrupt the donor or acceptor splice site typically lead to a loss of protein function (PMID: 16199547), and loss-of-function variants in NEK8 are known to be pathogenic (PMID: 23418306, 26967905). This variant is present in population databases (rs749866369, gnomAD 0.006%). This variant has not been reported in the literature in individuals affected with NEK8-related conditions. ClinVar contains an entry for this variant (Variation ID: 839540). Algorithms developed to predict the effect of sequence changes on RNA splicing suggest that this variant may disrupt the consensus splice site. In summary, the currently available evidence indicates that the variant is pathogenic, but additional data are needed to prove that conclusively. Therefore, this variant has been classified as Likely Pathogenic.

Literature cited by the submitters: PubMed 16199547 (cited by Labcorp Genetics (formerly Invitae), Labcorp); PubMed 23418306 (cited by Labcorp Genetics (formerly Invitae), Labcorp); PubMed 26967905 (cited by Labcorp Genetics (formerly Invitae), Labcorp).

NM_178170.3(NEK8):c.828-1G>C

Gene: NEK8 (NIMA related kinase 8; plus strand). Cytogenetic location: 17q11.2.
Variant type: single nucleotide variant.
Coding change: c.828-1G>C on transcript NM_178170.3 (MANE Select); the canonical splice acceptor site of the intron before coding-DNA position 828, G replaced by C.
Molecular consequence: splice acceptor variant.
Genome position (GRCh38, 1-based): chr17:28,737,674, G>C. VCF-style: chr17-28737674-G-C. GRCh37 (hg19) VCF-style: chr17-27064692-G-C.
Identifiers: ClinVar variation 839540 (VCV000839540.10), dbSNP rs749866369, ClinGen allele CA8467210.